The following is an entry in ClinVar:

ClinVar aggregate classification (germline): Uncertain significance (1 of 4 stars; one submission).

Conditions:
Progressive microcephaly-seizures-cortical blindness-developmental delay syndrome. Also called: Seizures, cortical blindness, and microcephaly syndrome. Identifiers: Orphanet 477814, MedGen C5567650, MONDO:0014714, OMIM 616632.
Autosomal dominant nonsyndromic hearing loss 1. Also called: KONIGSMARK SYNDROME; DEAFNESS, AUTOSOMAL DOMINANT 1, WITH OR WITHOUT THROMBOCYTOPENIA. Identifiers: Orphanet 90635, MedGen C1852282, MONDO:0007424, OMIM 124900.

gnomAD v4.1: 1 of 1,612,718 alleles (0.000062%); highest among the groups gnomAD compares: South Asian, 0.0011%; no homozygotes.

Submission:

Labcorp Genetics (formerly Invitae), Labcorp
Classification: Uncertain significance for Progressive microcephaly-seizures-cortical blindness-developmental delay syndrome; Autosomal dominant nonsyndromic hearing loss 1. Last evaluated: 2025-11-08. Review status: criteria provided, single submitter. Criteria: Invitae Variant Classification Sherloc (09022015). Collection method: clinical testing. Allele origin: germline.
Comment: This sequence change replaces serine, which is neutral and polar, with glycine, which is neutral and non-polar, at codon 211 of the DIAPH1 protein (p.Ser211Gly). This variant is present in population databases (no rsID available, gnomAD 0.003%). This variant has not been reported in the literature in individuals affected with DIAPH1-related conditions. Experimental studies and prediction algorithms are not available or were not evaluated, and the functional significance of this variant is currently unknown. In summary, the available evidence is currently insufficient to determine the role of this variant in disease. Therefore, it has been classified as a Variant of Uncertain Significance.

NM_005219.5(DIAPH1):c.631A>G (p.Ser211Gly)

Gene: DIAPH1 (diaphanous related formin 1; minus strand). Cytogenetic location: 5q31.3.
Variant type: single nucleotide variant.
Coding change: c.631A>G on transcript NM_005219.5 (MANE Select); coding-DNA position 631, A replaced by G.
Protein change: p.Ser211Gly; replaces serine 211 with glycine.
Molecular consequence: missense variant.
Genome position (GRCh38, 1-based): chr5:141,582,365, T>C on the plus strand (A>G on the coding strand, the complement: DIAPH1 is on the minus strand). VCF-style: chr5-141582365-T-C. GRCh37 (hg19) VCF-style: chr5-140961932-T-C.
Other names: c.604A>G, p.Ser202Gly (NM_001079812.3); c.631A>G, p.Ser211Gly (NM_001314007.2); short protein forms S202G, S211G.
Identifiers: ClinVar variation 4792513 (VCV004792513.1).